The following is an entry in ClinVar:

NM_024577.4(SH3TC2):c.2087A>G (p.His696Arg)

Gene: SH3TC2 (SH3 domain and tetratricopeptide repeats 2; minus strand). Cytogenetic location: 5q32.
Variant type: single nucleotide variant.
Coding change: c.2087A>G on transcript NM_024577.4 (MANE Select); coding-DNA position 2087, A replaced by G.
Protein change: p.His696Arg; replaces histidine 696 with arginine.
Molecular consequence: missense variant.
Genome position (GRCh38, 1-based): chr5:149,027,645, T>C on the plus strand (A>G on the coding strand, the complement: SH3TC2 is on the minus strand). VCF-style: chr5-149027645-T-C. GRCh37 (hg19) VCF-style: chr5-148407208-T-C.
Other names: short protein forms H696R.
Identifiers: ClinVar variation 193931 (VCV000193931.30), dbSNP rs17109261, ClinGen allele CA200859.

ClinVar aggregate classification (germline): Benign/Likely benign. Review status: criteria provided, multiple submitters, no conflicts (2 of 4 stars). 10 submissions from 9 submitters: Benign (9); Likely benign (1). Last evaluated 2026-01-28.

Conditions:
Charcot-Marie-Tooth disease. Also called: Charcot-Marie-Tooth Neuropathy; Charcot-Marie-Tooth Hereditary Neuropathy. Identifiers: Orphanet 166, MedGen C0007959, MONDO:0015626.
Susceptibility to mononeuropathy of the median nerve, mild. Also called: CARPAL TUNNEL SYNDROME, SUSCEPTIBILITY TO. Identifiers: MedGen C3150596, MONDO:0013237, OMIM 613353.
Charcot-Marie-Tooth disease type 4C (CMT4C). Also called: Charcot-Marie-Tooth Neuropathy Type 4C (CMT4C); CHARCOT-MARIE-TOOTH DISEASE, DEMYELINATING, AUTOSOMAL RECESSIVE, TYPE 4C; CMT 4C; CHARCOT-MARIE-TOOTH DISEASE, DEMYELINATING, TYPE 4C; SH3TC2-Related Hereditary Motor and Sensory Neuropathy. Identifiers: Orphanet 99949, MedGen C1866636, MONDO:0011113, OMIM 601596.
Charcot-Marie-Tooth disease type 4. Also called: Charcot-Marie-Tooth disease, type IV; Charcot-Marie-Tooth, Type 4. Identifiers: Orphanet 64749, MedGen C4082197, MONDO:0018995.

Allele frequency attached by ClinVar (database versions not stated): ExAC 0.00175; gnomAD 0.00493 and 0.00521; ESP Exome Variant Server 0.00577; TOPMed 0.00593; 1000 Genomes Project 30x 0.00640; 1000 Genomes Project 0.00699.
gnomAD v4.1: 1,596 of 1,614,214 alleles (0.099%); highest among the groups gnomAD compares: African/African-American, 1.6%; 15 homozygotes.

Submissions (10):

Labcorp Genetics (formerly Invitae), Labcorp
Classification: Benign for Charcot-Marie-Tooth disease type 4. Last evaluated: 2026-01-28. Review status: criteria provided, single submitter. Criteria: Invitae Variant Classification Sherloc (09022015). Collection method: clinical testing. Allele origin: germline.

Mayo Clinic Laboratories, Mayo Clinic
Classification: Benign. Last evaluated: 2024-07-02. Review status: criteria provided, single submitter. Criteria: ACMG Guidelines, 2015. Collection method: clinical testing. Allele origin: germline. Observed: 8 variant alleles.
Comment: BA1, BP4

Fulgent Genetics
Classification: Likely benign for Charcot-Marie-Tooth disease type 4C; Susceptibility to mononeuropathy of the median nerve, mild. Last evaluated: 2021-08-16. Review status: criteria provided, single submitter. Criteria: ACMG Guidelines, 2015. Collection method: clinical testing. Allele origin: unknown.

ARUP Laboratories, Molecular Genetics and Genomics, ARUP Laboratories
Classification: Benign. Last evaluated: 2021-03-04. Review status: criteria provided, single submitter. Criteria: ARUP Molecular Germline Variant Investigation Process 2021. Collection method: clinical testing. Allele origin: germline.

Athena Diagnostics
Classification: Benign. Last evaluated: 2019-06-28. Review status: criteria provided, single submitter. Criteria: Athena Diagnostics Criteria. Collection method: clinical testing. Allele origin: germline.

Illumina Laboratory Services, Illumina
Classification: Benign for Charcot-Marie-Tooth disease type 4C. Last evaluated: 2018-01-12. Review status: criteria provided, single submitter. Criteria: ICSL Variant Classification Criteria 13 December 2019. Collection method: clinical testing. Allele origin: germline.
Comment: This variant was observed in the ICSL laboratory as part of a predisposition screen in an ostensibly healthy population. It had not been previously curated by ICSL or reported in the Human Gene Mutation Database (HGMD: prior to June 1st, 2018), and was therefore a candidate for classification through an automated scoring system. Utilizing variant allele frequency, disease prevalence and penetrance estimates, and inheritance mode, an automated score was calculated to assess if this variant is too frequent to cause the disease. Based on the score and internal cut-off values, a variant classified as benign is not then subjected to further curation. The score for this variant resulted in a classification of benign for this disease.

Illumina Laboratory Services, Illumina
Classification: Benign for Susceptibility to mononeuropathy of the median nerve, mild. Last evaluated: 2018-01-12. Review status: criteria provided, single submitter. Criteria: ICSL Variant Classification Criteria 13 December 2019. Collection method: clinical testing. Allele origin: germline.
Comment: the same text as in the submission from Illumina Laboratory Services, Illumina above.

GeneDx
Classification: Benign. Last evaluated: 2017-02-14. Review status: criteria provided, single submitter. Criteria: GeneDx Variant Classification (06012015). Collection method: clinical testing. Allele origin: germline. Affected: yes.
Comment: This variant is considered likely benign or benign based on one or more of the following criteria: it is a conservative change, it occurs at a poorly conserved position in the protein, it is predicted to be benign by multiple in silico algorithms, and/or has population frequency not consistent with disease.

Eurofins Ntd Llc (ga)
Classification: Benign. Last evaluated: 2014-12-05. Review status: criteria provided, single submitter. Criteria: EGL Classification Definitions 2015. Collection method: clinical testing. Allele origin: germline. Observed: 1 variant allele, 1 heterozygote.

Molecular Genetics Laboratory, London Health Sciences Centre
Classification: Benign for Charcot-Marie-Tooth disease. Review status: criteria provided, single submitter. Criteria: ACMG Guidelines, 2015. Collection method: clinical testing. Allele origin: germline. Affected: yes.

Literature cited by the submitters: PubMed 27582484 (cited by Athena Diagnostics).